The following is an entry in ClinVar:

ClinVar aggregate classification (germline): Uncertain significance (1 of 4 stars; one submission).

Conditions:
Distal myopathy with posterior leg and anterior hand involvement. Also called: WILLIAMS DISTAL MYOPATHY. Identifiers: Orphanet 63273, MedGen C3279722, MONDO:0013550, OMIM 614065.
Hypertrophic cardiomyopathy 26. Also called: Cardiomyopathy, familial hypertrophic, 26. Identifiers: Orphanet 75249, MedGen C4310749, MONDO:0014883, OMIM 617047.
Myofibrillar myopathy 5. Also called: Filaminopathy (type); FILAMINOPATHY, AUTOSOMAL DOMINANT. Identifiers: Orphanet 171445, MedGen C1836050, MONDO:0012289, OMIM 609524.

Submission:

Labcorp Genetics (formerly Invitae), Labcorp
Classification: Uncertain significance for Distal myopathy with posterior leg and anterior hand involvement; Myofibrillar myopathy 5; Hypertrophic cardiomyopathy 26. Last evaluated: 2024-03-19. Review status: criteria provided, single submitter. Criteria: Invitae Variant Classification Sherloc (09022015). Collection method: clinical testing. Allele origin: germline.
Comment: This sequence change replaces glycine, which is neutral and non-polar, with cysteine, which is neutral and slightly polar, at codon 1164 of the FLNC protein (p.Gly1164Cys). This variant is not present in population databases (gnomAD no frequency). This variant has not been reported in the literature in individuals affected with FLNC-related conditions. Advanced modeling of protein sequence and biophysical properties (such as structural, functional, and spatial information, amino acid conservation, physicochemical variation, residue mobility, and thermodynamic stability) has been performed at Invitae for this missense variant, however the output from this modeling did not meet the statistical confidence thresholds required to predict the impact of this variant on FLNC protein function. In summary, the available evidence is currently insufficient to determine the role of this variant in disease. Therefore, it has been classified as a Variant of Uncertain Significance.

NM_001458.5(FLNC):c.3490G>T (p.Gly1164Cys)

Gene: FLNC (filamin C; plus strand). Cytogenetic location: 7q32.1.
Variant type: single nucleotide variant.
Coding change: c.3490G>T on transcript NM_001458.5 (MANE Select); coding-DNA position 3490, G replaced by T.
Protein change: p.Gly1164Cys; replaces glycine 1164 with cysteine.
Molecular consequence: missense variant.
Genome position (GRCh38, 1-based): chr7:128,844,955, G>T. VCF-style: chr7-128844955-G-T. GRCh37 (hg19) VCF-style: chr7-128485009-G-T.
Other names: c.3490G>T, p.Gly1164Cys (NM_001127487.2); short protein forms G1164C.
Identifiers: ClinVar variation 3755395 (VCV003755395.2).
Genomic context (GRCh38, chr7:128,844,955, plus strand): 5'-CCCTTCAAAGCCACCATTCGGCCTGTGTTTGACCCGAGCAAGGTGCGGGCCAGTGGACCG[G>T]GCCTGGAGCGCGGCAAGGTCGGTGAGGCAGCCACCTTCACTGTGGACTGCTCAGAGGCAG-3'
Protein context (NP_001449.3, residues 1154-1174): DPSKVRASGP[Gly1164Cys]LERGKVGEAA